The following is an entry in ClinVar:

ClinVar aggregate classification (germline): Conflicting classifications of pathogenicity. Review status: criteria provided, conflicting classifications (1 of 4 stars). 5 submissions from 5 submitters: Uncertain significance (3); Benign (1). 1 of the submissions does not count toward it. Last evaluated 2025-08-31.

Conditions:
Inborn genetic diseases. Identifiers: MedGen C0950123, MeSH D030342.
Nemaline myopathy 2 (NEM2). Also called: Nemaline myopathy 2, autosomal recessive. Identifiers: MedGen C1850569, MONDO:0009725, OMIM 256030.

Allele frequency attached by ClinVar (database versions not stated): ExAC 0.00003; gnomAD 0.00003 and 0.00004; TOPMed 0.00005; gnomAD exomes 0.00006 and 0.00008; ESP Exome Variant Server 0.00016.

Submissions (5):

Labcorp Genetics (formerly Invitae), Labcorp
Classification: Benign for Nemaline myopathy 2. Last evaluated: 2025-08-31. Review status: criteria provided, single submitter. Criteria: Invitae Variant Classification Sherloc (09022015). Collection method: clinical testing. Allele origin: germline.

GeneDx
Classification: Uncertain significance. Last evaluated: 2024-08-22. Review status: criteria provided, single submitter. Criteria: GeneDx Variant Classification Process June 2021. Collection method: clinical testing. Allele origin: germline. Affected: yes.
Comment: Not observed at significant frequency in large population cohorts (gnomAD); In silico analysis indicates that this missense variant does not alter protein structure/function; Has not been previously published as pathogenic or benign to our knowledge

Revvity Omics, Revvity
Classification: Uncertain significance. Last evaluated: 2024-07-05. Review status: criteria provided, single submitter. Criteria: ACMG Guidelines, 2015. Collection method: clinical testing. Allele origin: germline.

Ambry Genetics
Classification: Uncertain significance for Inborn genetic diseases. Last evaluated: 2023-02-22. Review status: criteria provided, single submitter. Criteria: Ambry Variant Classification Scheme 2023. Collection method: clinical testing. Allele origin: germline.

Natera, Inc.
Classification: Uncertain significance for Nemaline myopathy type 2. Last evaluated: 2020-01-24. Review status: no assertion criteria provided. Collection method: clinical testing. Allele origin: germline. Not counted in ClinVar's aggregate classification.

NM_001164508.2(NEB):c.2921G>A (p.Arg974Gln)

Gene: NEB (nebulin; minus strand). Cytogenetic location: 2q23.3.
Variant type: single nucleotide variant.
Coding change: c.2921G>A on transcript NM_001164508.2 (MANE Select); coding-DNA position 2921, G replaced by A.
Protein change: p.Arg974Gln; replaces arginine 974 with glutamine.
Molecular consequence: missense variant.
Genome position (GRCh38, 1-based): chr2:151,682,684, C>T on the plus strand (G>A on the coding strand, the complement: NEB is on the minus strand). VCF-style: chr2-151682684-C-T. GRCh37 (hg19) VCF-style: chr2-152539198-C-T.
Other names: c.2921G>A (NM_004543.4); c.2921G>A, p.Arg974Gln (NM_001164507.2, NM_001271208.2, NM_004543.5); short protein forms R974Q.
Identifiers: ClinVar variation 1254922 (VCV001254922.13), dbSNP rs368642083, ClinGen allele CA1911080.